The following is an entry in ClinVar:

NM_001429.4(EP300):c.7186A>G (p.Ser2396Gly)

Gene: EP300 (EP300 lysine acetyltransferase; plus strand). Cytogenetic location: 22q13.2.
Variant type: single nucleotide variant.
Coding change: c.7186A>G on transcript NM_001429.4 (MANE Select); coding-DNA position 7186, A replaced by G.
Protein change: p.Ser2396Gly; replaces serine 2396 with glycine.
Molecular consequence: missense variant.
Genome position (GRCh38, 1-based): chr22:41,178,897, A>G. VCF-style: chr22-41178897-A-G. GRCh37 (hg19) VCF-style: chr22-41574901-A-G.
Other names: c.7108A>G, p.Ser2370Gly (NM_001362843.2); short protein forms S2396G, S2370G.
Identifiers: ClinVar variation 3709488 (VCV003709488.15).

ClinVar aggregate classification (germline): Benign/Likely benign. Review status: criteria provided, multiple submitters, no conflicts (2 of 4 stars). 2 submissions from 2 submitters: Benign (1); Likely benign (1). Last evaluated 2025-01-01.

Conditions:
Rubinstein-Taybi syndrome due to EP300 haploinsufficiency. Also called: RUBINSTEIN-TAYBI SYNDROME 2; EP300-Related Rubinstein-Taybi Syndrome. Identifiers: Orphanet 353284, Orphanet 783, MedGen C3150941, MONDO:0013364, OMIM 613684.

gnomAD v4.1: 34 of 1,614,110 alleles (0.0021%); highest among the groups gnomAD compares: East Asian, 0.018%; no homozygotes.

Submissions (2):

CeGaT Center for Human Genetics Tuebingen
Classification: Likely benign. Last evaluated: 2025-01-01. Review status: criteria provided, single submitter. Criteria: CeGaT Center For Human Genetics Tuebingen Variant Classification Criteria Version 2. Collection method: clinical testing. Allele origin: germline. Affected: yes. Observed: 1 variant allele.
Comment: EP300: BP4

Labcorp Genetics (formerly Invitae), Labcorp
Classification: Benign for Rubinstein-Taybi syndrome due to EP300 haploinsufficiency. Last evaluated: 2024-11-03. Review status: criteria provided, single submitter. Criteria: Invitae Variant Classification Sherloc (09022015). Collection method: clinical testing. Allele origin: germline.